The following is an entry in ClinVar:

ClinVar aggregate classification (germline): Likely benign. Review status: criteria provided, multiple submitters, no conflicts (2 of 4 stars). 3 submissions from 3 submitters: Likely benign (3). Last evaluated 2024-01-05.

Conditions:
Hereditary pheochromocytoma and paraganglioma. Also called: Hereditary paragangliomas and pheochromocytomas; Hereditary pheochromocytoma-paraganglioma; Hereditary Paraganglioma-Pheochromocytoma Syndromes. Identifiers: Orphanet 29072, MedGen C4274332, MONDO:0017366.
Cowden syndrome 3 (CWS3). Identifiers: Orphanet 201, MedGen CN166604, MONDO:0014045.
Paragangliomas with sensorineural hearing loss. Identifiers: MedGen C1868633.
Carney-Stratakis syndrome. Also called: PARAGANGLIOMA AND GASTROINTESTINAL STROMAL TUMOR. Identifiers: Orphanet 97286, MedGen C1847319, MONDO:0011740, OMIM 606864.
Pheochromocytoma. Also called: MAX-Related Hereditary Paraganglioma-Pheochromocytoma Syndrome. Identifiers: Orphanet 29072, MedGen C0031511, MONDO:0008233, OMIM 171300, HP:0002666.
Hereditary cancer-predisposing syndrome. Also called: Tumor predisposition; Hereditary Cancer Syndrome; Hereditary neoplastic syndrome; Neoplastic Syndromes, Hereditary. Identifiers: Orphanet 140162, MedGen C0027672, MeSH D009386, MONDO:0015356.

Allele frequency attached by ClinVar (database versions not stated): gnomAD exomes below 0.00001.
gnomAD v4.1: 3 of 1,613,064 alleles (0.00019%); highest among the groups gnomAD compares: Non-Finnish European, 0.00025%; no homozygotes.

Submissions (3):

Ambry Genetics
Classification: Likely benign for Hereditary cancer-predisposing syndrome. Last evaluated: 2024-01-05. Review status: criteria provided, single submitter. Criteria: Ambry Variant Classification Scheme 2023. Collection method: clinical testing. Allele origin: germline.

All of Us Research Program, National Institutes of Health
Classification: Likely benign for Hereditary pheochromocytoma and paraganglioma. Last evaluated: 2023-12-13. Review status: criteria provided, single submitter. Criteria: ACMG Guidelines, 2015. Collection method: clinical testing. Allele origin: germline. Inheritance: Autosomal dominant inheritance. Observed: 1 variant allele, 1 heterozygote.
Comment: This study involves interpretation of variants in research participants for the purpose of population health screening. Participant phenotype was not available at the time of variant classification. Additional details can be found in publication PMID: 35346344, PMCID: PMC8962531

Labcorp Genetics (formerly Invitae), Labcorp
Classification: Likely benign for Carney-Stratakis syndrome; Paragangliomas with sensorineural hearing loss; Pheochromocytoma; Cowden syndrome 3. Last evaluated: 2018-11-16. Review status: criteria provided, single submitter. Criteria: Invitae Variant Classification Sherloc (09022015). Collection method: clinical testing. Allele origin: germline.

NM_003002.4(SDHD):c.216C>G (p.Val72=)

Gene: SDHD (succinate dehydrogenase complex subunit D; plus strand). Cytogenetic location: 11q23.1.
Variant type: single nucleotide variant.
Coding change: c.216C>G on transcript NM_003002.4 (MANE Select); coding-DNA position 216, C replaced by G.
Protein change: p.Val72=; no amino-acid change (valine 72 retained).
Molecular consequence: synonymous variant. On other transcripts: non-coding transcript variant (1), intron variant (1).
Genome position (GRCh38, 1-based): chr11:112,088,913, C>G. VCF-style: chr11-112088913-C-G. GRCh37 (hg19) VCF-style: chr11-111959637-C-G.
Other names: c.99C>G, p.Val33= (NM_001276504.2); c.216C>G, p.Val72= (NM_001276506.2); c.169+940C>G (NM_001276503.2); c.216C>G (NM_003002.2).
Identifiers: ClinVar variation 795460 (VCV000795460.14), dbSNP rs1592780438, ClinGen allele CA476790372.